The following is an entry in ClinVar:

ClinVar aggregate classification (germline): Likely pathogenic. Review status: criteria provided, multiple submitters, no conflicts (2 of 4 stars). 2 submissions from 2 submitters: Likely pathogenic (2). Last evaluated 2025-10-28.

Conditions:
F8-related disorder. Also called: F8-related condition.
Hereditary factor VIII deficiency disease (HEMA). Also called: AUTOSOMAL HEMOPHILIA A; HEMOPHILIA, CLASSIC; Hemophilia A, congenital; HEM A; Factor 8 deficiency, congenital; Hemophilia A. Identifiers: Orphanet 98878, MedGen C0019069, MONDO:0010602, OMIM 306700.

Submissions (2):

PreventionGenetics, part of Exact Sciences
Classification: Likely pathogenic for F8-related condition. Last evaluated: 2025-10-28. Review status: criteria provided, single submitter. Criteria: ACMG Guidelines, 2015. Collection method: clinical testing. Allele origin: germline.
Comment: The F8 c.5527G>A variant is predicted to result in the amino acid substitution p.Ala1843Thr. This variant is alternatively referred to as p.Ala1824Thr using legacy nomenclature. This variant has been reported in at least 4 individuals with mild hemophilia A (Fernandez-Lopez et al. 2005. PubMed ID: 15921397; Supplementary Table S1. Margaglione et al. 2008. PubMed ID: 18387975). This variant has not been reported in a large population database (gnomAD), indicating this variant is rare. This variant is interpreted as likely pathogenic.

ARUP Laboratories, Molecular Genetics and Genomics, ARUP Laboratories
Classification: Likely pathogenic for Hereditary factor VIII deficiency disease. Last evaluated: 2019-01-11. Review status: criteria provided, single submitter. Criteria: ARUP Molecular Germline Variant Investigation Process. Collection method: clinical testing. Allele origin: germline.
Comment: The F8 c.5527G>A; p.Ala1843Thr variant is reported in the literature in several individuals affected with mild hemophilia A (Casana 2008, Fernandez-Lopez 2005, Factor VIII database). This variant is absent from general population databases (Exome Variant Server, Genome Aggregation Database), indicating it is not a common polymorphism. The alanine at codon 1843 is highly conserved, and computational analyses (SIFT, PolyPhen-2) predict that this variant is deleterious. Additionally, other amino acid substitutions at this codon or adjacent codons (p.Met1842Ile, p.Ala1843Val, p.Pro1844Leu, p.Pro1844Ser) have been reported in individuals with hemophilia A and are considered pathogenic (Fernandez-Lopez 2005, Guillet 2006, Higuchi 1991, Lin 2008). Based on available information, this variant is considered to be likely pathogenic. References: Factor VIII database: Casana P et al. Founder haplotype associated with the factor VIII Asp1241Glu polymorphism in a cohort of mild hemophilia A patients. J Thromb Haemost. 2008 Aug;6(8):1428-30. Fernandez-Lopez O et al. The spectrum of mutations in Southern Spanish patients with hemophilia A and identification of 28 novel mutations. Haematologica. 2005 May;90(5):707-10. Guillet B et al. Detection of 95 novel mutations in coagulation factor VIII gene F8 responsible for hemophilia A: results from a single institution. Hum Mutat. 2006 Jul;27(7):676-85. Higuchi M et al. Molecular characterization of mild-to-moderate hemophilia A: detection of the mutation in 25 of 29 patients by denaturing gradient gel electrophoresis. Proc Natl Acad Sci U S A. 1991 Oct 1;88(19):8307-11. Lin SY et al. Mutation spectrum of 122 hemophilia A families from Taiwanese population by LD-PCR, DHPLC, multiplex PCR and evaluating the clinical application of HRM. BMC Med Genet. 2008 Jun 20;9:53. doi: 10.1186/1471-2350-9-53.

NM_000132.4(F8):c.5527G>A (p.Ala1843Thr)

Gene: F8 (coagulation factor VIII; minus strand). Cytogenetic location: Xq28.
Variant type: single nucleotide variant.
Coding change: c.5527G>A on transcript NM_000132.4 (MANE Select); coding-DNA position 5527, G replaced by A.
Protein change: p.Ala1843Thr; replaces alanine 1843 with threonine.
Molecular consequence: missense variant.
Genome position (GRCh38, 1-based): chrX:154,904,870, C>T on the plus strand (G>A on the coding strand, the complement: F8 is on the minus strand). VCF-style: chrX-154904870-C-T. GRCh37 (hg19) VCF-style: chrX-154133145-C-T.
Other names: c.5527G>A (NM_000132.3); short protein forms A1843T.
Identifiers: ClinVar variation 811877 (VCV000811877.9), dbSNP rs1603432996, ClinGen allele CA414908615.